The following is an entry in ClinVar:

NM_001943.5(DSG2):c.1072G>C (p.Ala358Pro)

Gene: DSG2 (desmoglein 2; plus strand). Cytogenetic location: 18q12.1.
Variant type: single nucleotide variant.
Coding change: c.1072G>C on transcript NM_001943.5 (MANE Select); coding-DNA position 1072, G replaced by C.
Protein change: p.Ala358Pro; replaces alanine 358 with proline.
Molecular consequence: missense variant.
Genome position (GRCh38, 1-based): chr18:31,531,044, G>C. VCF-style: chr18-31531044-G-C. GRCh37 (hg19) VCF-style: chr18-29111007-G-C.
Other names: short protein forms A358P.
Identifiers: ClinVar variation 928393 (VCV000928393.5), dbSNP rs758537946, ClinGen allele CA402138300.

ClinVar aggregate classification (germline): Uncertain significance (1 of 4 stars; one submission).

Conditions:
Cardiomyopathy (CMYO). Also called: Cardiomyopathies. Identifiers: Orphanet 167848, MedGen C0878544, MONDO:0004994, HP:0001638. Inheritance: Various modes of inheritance.

Submission:

Color Diagnostics, LLC DBA Color Health
Classification: Uncertain significance for Cardiomyopathy. Last evaluated: 2023-12-05. Review status: criteria provided, single submitter. Criteria: ACMG Guidelines, 2015. Collection method: clinical testing. Allele origin: germline.
Comment: This missense variant replaces alanine with proline at codon 358 of the DSG2 protein. Computational prediction tools and conservation analyses are inconclusive regarding the impact of this variant on the protein function. Computational splicing tools suggest that this variant may not impact RNA splicing. To our knowledge, functional assays have not been performed for this variant nor has this variant been reported in individuals affected with cardiovascular disorders in the literature. This variant has not been identified in the general population by the Genome Aggregation Database (gnomAD). Available evidence is insufficient to determine the role of this variant in disease conclusively. Therefore, this variant is classified as a Variant of Uncertain Significance.